The following is an entry in ClinVar:

ClinVar aggregate classification (germline): Uncertain significance. Review status: criteria provided, multiple submitters, no conflicts (2 of 4 stars). 4 submissions from 4 submitters: Uncertain significance (4). Last evaluated 2025-10-29.

Conditions:
Developmental and epileptic encephalopathy, 18 (DEE18). Also called: Early infantile epileptic encephalopathy 18. Identifiers: Orphanet 369894, MedGen C3809624, MONDO:0014201, OMIM 615476.
Inborn genetic diseases. Identifiers: MedGen C0950123, MeSH D030342.

Allele frequency attached by ClinVar (database versions not stated): TOPMed below 0.00001; gnomAD 0.00001; gnomAD exomes 0.00001 and 0.00002.
gnomAD v4.1: 30 of 1,613,732 alleles (0.0019%); highest among the groups gnomAD compares: Non-Finnish European, 0.0025%; no homozygotes.

Submissions (4):

Women's Health and Genetics/Laboratory Corporation of America, LabCorp
Classification: Uncertain significance. Last evaluated: 2025-10-29. Review status: criteria provided, single submitter. Criteria: LabCorp Variant Classification Summary - May 2015. Collection method: clinical testing. Allele origin: germline.
Comment: Variant summary: SZT2 c.4520C>T (p.Pro1507Leu) results in a non-conservative amino acid change in the encoded protein sequence. Algorithms developed to predict the effect of missense changes on protein structure and function are either unavailable or do not agree on the potential impact of this missense change. The variant allele was found at a frequency of 1.2e-05 in 250952 control chromosomes. The available data on variant occurrences in the general population are insufficient to allow any conclusion about variant significance. To our knowledge, no occurrence of c.4520C>T in individuals affected with SZT2-related conditions and no experimental evidence demonstrating its impact on protein function have been reported. ClinVar contains an entry for this variant (Variation ID: 936681). Based on the evidence outlined above, the variant was classified as uncertain significance.

Labcorp Genetics (formerly Invitae), Labcorp
Classification: Uncertain significance. Last evaluated: 2024-10-09. Review status: criteria provided, single submitter. Criteria: Invitae Variant Classification Sherloc (09022015). Collection method: clinical testing. Allele origin: germline.
Comment: This sequence change replaces proline, which is neutral and non-polar, with leucine, which is neutral and non-polar, at codon 1507 of the SZT2 protein (p.Pro1507Leu). This variant is present in population databases (no rsID available, gnomAD 0.003%). This missense change has been observed in individual(s) with clinical features of SZT2-related conditions (internal data). ClinVar contains an entry for this variant (Variation ID: 936681). Invitae Evidence Modeling of protein sequence and biophysical properties (such as structural, functional, and spatial information, amino acid conservation, physicochemical variation, residue mobility, and thermodynamic stability) indicates that this missense variant is expected to disrupt SZT2 protein function with a positive predictive value of 80%. In summary, the available evidence is currently insufficient to determine the role of this variant in disease. Therefore, it has been classified as a Variant of Uncertain Significance.

Ambry Genetics
Classification: Uncertain significance for Inborn genetic diseases. Last evaluated: 2023-08-14. Review status: criteria provided, single submitter. Criteria: Ambry Variant Classification Scheme 2023. Collection method: clinical testing. Allele origin: germline.

Genome-Nilou Lab
Classification: Uncertain significance for Developmental and epileptic encephalopathy, 18. Last evaluated: 2023-04-11. Review status: criteria provided, single submitter. Criteria: ACMG Guidelines, 2015. Collection method: clinical testing. Allele origin: germline. Affected: no.

NM_001365999.1(SZT2):c.4691C>T (p.Pro1564Leu)

Gene: SZT2 (SZT2 subunit of KICSTOR complex; plus strand). Cytogenetic location: 1p34.2.
Variant type: single nucleotide variant.
Coding change: c.4691C>T on transcript NM_001365999.1 (MANE Select); coding-DNA position 4691, C replaced by T.
Protein change: p.Pro1564Leu; replaces proline 1564 with leucine.
Molecular consequence: missense variant.
Genome position (GRCh38, 1-based): chr1:43,430,706, C>T. VCF-style: chr1-43430706-C-T. GRCh37 (hg19) VCF-style: chr1-43896377-C-T.
Other names: c.4520C>T, p.Pro1507Leu (NM_015284.4); short protein forms P1564L, P1507L.
Identifiers: ClinVar variation 936681 (VCV000936681.12), dbSNP rs1329340929, ClinGen allele CA340022527.